The following is an entry in ClinVar:

NM_001378328.1(CELSR1):c.1849G>T (p.Ala617Ser)

Gene: CELSR1 (cadherin EGF LAG seven-pass G-type receptor 1; minus strand). Cytogenetic location: 22q13.31.
Variant type: single nucleotide variant.
Coding change: c.1849G>T on transcript NM_001378328.1 (MANE Select); coding-DNA position 1849, G replaced by T.
Protein change: p.Ala617Ser; replaces alanine 617 with serine.
Molecular consequence: missense variant.
Genome position (GRCh38, 1-based): chr22:46,535,322, C>A on the plus strand (G>T on the coding strand, the complement: CELSR1 is on the minus strand). VCF-style: chr22-46535322-C-A. GRCh37 (hg19) VCF-style: chr22-46931219-C-A.
Other names: c.1849G>T, p.Ala617Ser (NM_014246.4); short protein forms A617S.
Identifiers: ClinVar variation 2208761 (VCV002208761.4), dbSNP rs201866541, ClinGen allele CA10295395.
Genomic context (GRCh38, chr22:46,535,322, plus strand): 5'-CGGAGCTGTTGTGGATCTGGAAGGGGAAGTCAGGGGTGGGGGCAGGATTCTTAGGCCCAG[C>A]GCTGCCGCCCCCCAGAAAGGTGGAGGCCGTGTCCACCAGGCGATAGTGCAGCCGGGCGTT-3'
Protein context (NP_001365257.1, residues 607-627): TASTFLGGGS[Ala617Ser]GPKNPAPTPD

ClinVar aggregate classification (germline): Uncertain significance. Review status: criteria provided, multiple submitters, no conflicts (2 of 4 stars). 2 submissions from 2 submitters: Uncertain significance (2). Last evaluated 2024-08-27.

Conditions:
Lymphatic malformation 9. Identifiers: MedGen C5543365, MONDO:0030270, OMIM 619319.

Allele frequency attached by ClinVar (database versions not stated): gnomAD 0.00002; ESP Exome Variant Server 0.00008.
gnomAD v4.1: 38 of 1,611,802 alleles (0.0024%); highest among the groups gnomAD compares: Middle Eastern, 0.049%; no homozygotes.

Submissions (2):

Ambry Genetics
Classification: Uncertain significance. Last evaluated: 2024-08-27. Review status: criteria provided, single submitter. Criteria: Ambry Variant Classification Scheme 2023. Collection method: clinical testing. Allele origin: germline.

Clinical Genomics Laboratory, Washington University in St. Louis
Classification: Uncertain significance for Lymphatic malformation 9. Last evaluated: 2024-02-26. Review status: criteria provided, single submitter. Criteria: ACMG Guidelines, 2015. Collection method: clinical testing. Allele origin: germline.
Comment: A CELSR1 c.1849G>T (p.Ala617Ser) variant was identified at a heterozygous allelic fraction, which may be consistent with it being of germline origin. This variant, to our knowledge, has not been reported in the medical literature. This variant is observed on 38/1,611,802 alleles in the general population (gnomAD v4.0.0). Computational predictors suggest that this variant does not impact CELSR1 function. Due to limited information, and based on ACMG/AMP guidelines for variant interpretation (Richards S et al., PMID: 25741868), the clinical significance of the CELSR1 c.1849G>T (p.Ala617Ser) variant is uncertain at this time.